The following is an entry in ClinVar:

ClinVar aggregate classification (germline): Uncertain significance. Review status: criteria provided, multiple submitters, no conflicts (2 of 4 stars). 5 submissions from 5 submitters: Uncertain significance (5). Last evaluated 2026-06-23.

Conditions:
Bardet-Biedl syndrome (BBS). Identifiers: Orphanet 110, MedGen C0752166, MONDO:0015229.
Bardet-Biedl syndrome 10 (BBS10). Identifiers: Orphanet 110, MedGen C1859568, MONDO:0014438, OMIM 615987.
BBS10-related disorder. Also called: BBS10-related condition.
Inborn genetic diseases. Identifiers: MedGen C0950123, MeSH D030342.

Allele frequency attached by ClinVar (database versions not stated): gnomAD exomes 0.00001; ExAC 0.00002; gnomAD 0.00003; TOPMed 0.00004.
gnomAD v4.1: 15 of 1,610,886 alleles (0.00093%); highest among the groups gnomAD compares: African/African-American, 0.017%; no homozygotes.

Submissions (5):

PreventionGenetics, part of Exact Sciences
Classification: Uncertain significance for BBS10-related condition. Last evaluated: 2026-06-23. Review status: criteria provided, single submitter. Criteria: ACMG Guidelines, 2015. Collection method: clinical testing. Allele origin: germline.
Comment: The BBS10 c.59T>C variant is predicted to result in the amino acid substitution p.Val20Ala. To our knowledge, this variant has not been reported in the literature. This variant is reported in 0.014% of alleles in individuals of African descent in gnomAD. At this time, the clinical significance of this variant is uncertain due to the absence of conclusive functional and genetic evidence.

Ambry Genetics
Classification: Uncertain significance for Inborn genetic diseases. Last evaluated: 2025-08-13. Review status: criteria provided, single submitter. Criteria: Ambry Variant Classification Scheme 2023. Collection method: clinical testing. Allele origin: germline.

Labcorp Genetics (formerly Invitae), Labcorp
Classification: Uncertain significance for Bardet-Biedl syndrome. Last evaluated: 2024-11-11. Review status: criteria provided, single submitter. Criteria: Invitae Variant Classification Sherloc (09022015). Collection method: clinical testing. Allele origin: germline.
Comment: This sequence change replaces valine, which is neutral and non-polar, with alanine, which is neutral and non-polar, at codon 20 of the BBS10 protein (p.Val20Ala). This variant is present in population databases (rs746323439, gnomAD 0.01%). This variant has not been reported in the literature in individuals affected with BBS10-related conditions. ClinVar contains an entry for this variant (Variation ID: 2191304). Invitae Evidence Modeling of protein sequence and biophysical properties (such as structural, functional, and spatial information, amino acid conservation, physicochemical variation, residue mobility, and thermodynamic stability) indicates that this missense variant is not expected to disrupt BBS10 protein function with a negative predictive value of 80%. In summary, the available evidence is currently insufficient to determine the role of this variant in disease. Therefore, it has been classified as a Variant of Uncertain Significance.

GeneDx
Classification: Uncertain significance. Last evaluated: 2024-07-10. Review status: criteria provided, single submitter. Criteria: GeneDx Variant Classification Process June 2021. Collection method: clinical testing. Allele origin: germline. Affected: yes.
Comment: In silico analysis indicates that this missense variant does not alter protein structure/function; Has not been previously published as pathogenic or benign to our knowledge

Fulgent Genetics
Classification: Uncertain significance for Bardet-Biedl syndrome 10. Last evaluated: 2024-03-22. Review status: criteria provided, single submitter. Criteria: ACMG Guidelines, 2015. Collection method: clinical testing. Allele origin: germline.

NM_024685.4(BBS10):c.59T>C (p.Val20Ala)

Gene: BBS10 (Bardet-Biedl syndrome 10; minus strand). Cytogenetic location: 12q21.2.
Variant type: single nucleotide variant.
Coding change: c.59T>C on transcript NM_024685.4 (MANE Select); coding-DNA position 59, T replaced by C.
Protein change: p.Val20Ala; replaces valine 20 with alanine.
Molecular consequence: missense variant.
Genome position (GRCh38, 1-based): chr12:76,348,300, A>G on the plus strand (T>C on the coding strand, the complement: BBS10 is on the minus strand). VCF-style: chr12-76348300-A-G. GRCh37 (hg19) VCF-style: chr12-76742080-A-G.
Other names: c.59T>C (NM_024685.3); short protein forms V20A.
Identifiers: ClinVar variation 2191304 (VCV002191304.5), dbSNP rs746323439, ClinGen allele CA6694435.